The following is an entry in ClinVar:

NM_025074.7(FRAS1):c.9928G>T (p.Ala3310Ser)

Gene: FRAS1 (Fraser extracellular matrix complex subunit 1; plus strand). Cytogenetic location: 4q21.21.
Variant type: single nucleotide variant.
Coding change: c.9928G>T on transcript NM_025074.7 (MANE Select); coding-DNA position 9928, G replaced by T.
Protein change: p.Ala3310Ser; replaces alanine 3310 with serine.
Molecular consequence: missense variant.
Genome position (GRCh38, 1-based): chr4:78,511,421, G>T. VCF-style: chr4-78511421-G-T. GRCh37 (hg19) VCF-style: chr4-79432575-G-T.
Other names: short protein forms A3310S.
Identifiers: ClinVar variation 2088210 (VCV002088210.1), dbSNP rs370933558, ClinGen allele CA2978804.
Genomic context (GRCh38, chr4:78,511,421, plus strand): 5'-TTAAGGAGCAACATTGTTACCATTGGAACAGACAGTGCTATCTGCCACACACCAGTGGTG[G>T]CTGGGACATCCAGAGGCTTCCAGGCTCAGTCCTTCATCGCAACCTTGAAATACCTGGATG-3'
Protein context (NP_079350.5, residues 3300-3320): DSAICHTPVV[Ala3310Ser]GTSRGFQAQS

ClinVar aggregate classification (germline): Uncertain significance (1 of 4 stars; one submission).

Allele frequency attached by ClinVar (database versions not stated): gnomAD exomes 0.00001; ExAC 0.00002; gnomAD 0.00005; TOPMed 0.00007; ESP Exome Variant Server 0.00008.
gnomAD v4.1: 20 of 1,613,852 alleles (0.0012%); highest among the groups gnomAD compares: African/African-American, 0.025%; no homozygotes.

Submission:

Labcorp Genetics (formerly Invitae), Labcorp
Classification: Uncertain significance. Last evaluated: 2022-08-19. Review status: criteria provided, single submitter. Criteria: Invitae Variant Classification Sherloc (09022015). Collection method: clinical testing. Allele origin: germline.
Comment: This sequence change replaces alanine, which is neutral and non-polar, with serine, which is neutral and polar, at codon 3310 of the FRAS1 protein (p.Ala3310Ser). This variant is present in population databases (rs370933558, gnomAD 0.02%). This variant has not been reported in the literature in individuals affected with FRAS1-related conditions. Algorithms developed to predict the effect of missense changes on protein structure and function are either unavailable or do not agree on the potential impact of this missense change (SIFT: "Deleterious"; PolyPhen-2: "Possibly Damaging"; Align-GVGD: "Class C0"). In summary, the available evidence is currently insufficient to determine the role of this variant in disease. Therefore, it has been classified as a Variant of Uncertain Significance.